The following is an entry in ClinVar:

ClinVar aggregate classification (germline): Pathogenic. Review status: criteria provided, single submitter (1 of 4 stars). 2 submissions from 2 submitters: Pathogenic (1). 1 of the submissions does not count toward it. Last evaluated 2022-08-21.

Conditions:
Atrichia with papular lesions (APL). Also called: PAPULAR ATRICHIA. Identifiers: Orphanet 86819, MedGen C1859592, MONDO:0008847, OMIM 209500.

Submissions (2):

Labcorp Genetics (formerly Invitae), Labcorp
Classification: Pathogenic. Last evaluated: 2022-08-21. Review status: criteria provided, single submitter. Criteria: Invitae Variant Classification Sherloc (09022015). Collection method: clinical testing. Allele origin: germline.
Comment: For these reasons, this variant has been classified as Pathogenic. ClinVar contains an entry for this variant (Variation ID: 1075245). This premature translational stop signal has been observed in individual(s) with congenital atrichia (PMID: 9856480). This variant is not present in population databases (gnomAD no frequency). This sequence change creates a premature translational stop signal (p.Pro716Glnfs*186) in the HR gene. It is expected to result in an absent or disrupted protein product. Loss-of-function variants in HR are known to be pathogenic (PMID: 17869066, 18164595).

OMIM
Classification: Pathogenic for ATRICHIA WITH PAPULAR LESIONS. Last evaluated: 1998-10-01. Review status: no assertion criteria provided. Collection method: literature only. Allele origin: germline. Not counted in ClinVar's aggregate classification.

Literature cited by the submitters: PubMed 9856480 (cited by Labcorp Genetics (formerly Invitae), Labcorp and OMIM); PubMed 17869066 (cited by Labcorp Genetics (formerly Invitae), Labcorp); PubMed 18164595 (cited by Labcorp Genetics (formerly Invitae), Labcorp).

NM_005144.5(HR):c.2147del (p.Pro716fs)

Gene: HR (HR lysine demethylase and nuclear receptor corepressor; minus strand). Cytogenetic location: 8p21.3.
Variant type: Deletion.
Coding change: c.2147del on transcript NM_005144.5 (MANE Select); coding-DNA position 2147, one base deleted (C; older notation c.2147delC).
Protein change: p.Pro716fs; shifts the reading frame from proline 716.
Molecular consequence: frameshift variant.
Genome position (GRCh38, 1-based): chr8:22,121,669, G deleted on the plus strand (C on the coding strand, the reverse complement: HR is on the minus strand); the first of 5 consecutive G bases (chr8:22,121,669-22,121,673); deleting any one gives the same sequence. VCF-style (leftmost placement, unchanged base first): chr8-22121668-TG-T. GRCh37 (hg19) VCF-style: chr8-21979181-TG-T.
Other names: c.2147del, p.Pro716fs (NM_018411.4); short protein forms P716fs.
Identifiers: ClinVar variation 1075245 (VCV001075245.6), dbSNP rs2131756993, ClinGen allele CA2499219207.